The following is an entry in ClinVar:

ClinVar aggregate classification (germline): Uncertain significance (1 of 4 stars; one submission).

Conditions:
Hereditary cancer-predisposing syndrome. Also called: Tumor predisposition; Hereditary Cancer Syndrome; Hereditary neoplastic syndrome; Neoplastic Syndromes, Hereditary. Identifiers: Orphanet 140162, MedGen C0027672, MeSH D009386, MONDO:0015356.

Submission:

Labcorp Genetics (formerly Invitae), Labcorp
Classification: Uncertain significance for Hereditary cancer-predisposing syndrome. Last evaluated: 2021-02-07. Review status: criteria provided, single submitter. Criteria: Invitae Variant Classification Sherloc (09022015). Collection method: clinical testing. Allele origin: germline.
Comment: This variant has not been reported in the literature in individuals with RAD50-related conditions. Algorithms developed to predict the effect of missense changes on protein structure and function (SIFT, PolyPhen-2, Align-GVGD) all suggest that this variant is likely to be tolerated, but these predictions have not been confirmed by published functional studies and their clinical significance is uncertain. In summary, the available evidence is currently insufficient to determine the role of this variant in disease. Therefore, it has been classified as a Variant of Uncertain Significance. This sequence change replaces lysine with glutamine at codon 654 of the RAD50 protein (p.Lys654Gln). The lysine residue is moderately conserved and there is a small physicochemical difference between lysine and glutamine. This variant is not present in population databases (ExAC no frequency).

NM_005732.4(RAD50):c.1960A>C (p.Lys654Gln)

Gene: RAD50 (RAD50 double strand break repair protein; plus strand). Cytogenetic location: 5q31.1.
Variant type: single nucleotide variant.
Coding change: c.1960A>C on transcript NM_005732.4 (MANE Select); coding-DNA position 1960, A replaced by C.
Protein change: p.Lys654Gln; replaces lysine 654 with glutamine.
Molecular consequence: missense variant.
Genome position (GRCh38, 1-based): chr5:132,595,035, A>C. VCF-style: chr5-132595035-A-C. GRCh37 (hg19) VCF-style: chr5-131930727-A-C.
Other names: short protein forms K654Q.
Identifiers: ClinVar variation 1469807 (VCV001469807.8), dbSNP rs2149843787, ClinGen allele CA360948613.